The following is an entry in ClinVar:

ClinVar aggregate classification (germline): Uncertain significance (1 of 4 stars; one submission).

Submission:

Labcorp Genetics (formerly Invitae), Labcorp
Classification: Uncertain significance. Last evaluated: 2023-06-06. Review status: criteria provided, single submitter. Criteria: Invitae Variant Classification Sherloc (09022015). Collection method: clinical testing. Allele origin: germline.
Comment: This sequence change replaces glycine, which is neutral and non-polar, with tryptophan, which is neutral and slightly polar, at codon 321 of the COL4A6 protein (p.Gly321Trp). This variant is not present in population databases (gnomAD no frequency). This variant has not been reported in the literature in individuals affected with COL4A6-related conditions. Advanced modeling of protein sequence and biophysical properties (such as structural, functional, and spatial information, amino acid conservation, physicochemical variation, residue mobility, and thermodynamic stability) performed at Invitae indicates that this missense variant is expected to disrupt COL4A6 protein function. Algorithms developed to predict the effect of sequence changes on RNA splicing suggest that this variant may create or strengthen a splice site. In summary, the available evidence is currently insufficient to determine the role of this variant in disease. Therefore, it has been classified as a Variant of Uncertain Significance.

NM_033641.4(COL4A6):c.958G>T (p.Gly320Trp)

Gene: COL4A6 (collagen type IV alpha 6 chain; minus strand). Cytogenetic location: Xq22.3.
Variant type: single nucleotide variant.
Coding change: c.958G>T on transcript NM_033641.4 (MANE Select); coding-DNA position 958, G replaced by T.
Protein change: p.Gly320Trp; replaces glycine 320 with tryptophan.
Molecular consequence: missense variant.
Genome position (GRCh38, 1-based): chrX:108,194,578, C>A on the plus strand (G>T on the coding strand, the complement: COL4A6 is on the minus strand). VCF-style: chrX-108194578-C-A. GRCh37 (hg19) VCF-style: chrX-107437808-C-A.
Other names: c.958G>T, p.Gly320Trp (NM_001287758.2, NM_001287759.2, NM_001287760.2); c.961G>T, p.Gly321Trp (NM_001847.4); short protein forms G321W, G320W.
Identifiers: ClinVar variation 2741425 (VCV002741425.3), dbSNP rs2522145110, ClinGen allele CA413861999.